The following is an entry in ClinVar:

NM_024753.5(TTC21B):c.629G>A (p.Ser210Asn)

Genes: TTC21B-AS1 (TTC21B antisense RNA 1; plus strand), TTC21B (tetratricopeptide repeat domain 21B; minus strand). Cytogenetic location: 2q24.3.
Variant type: single nucleotide variant.
Coding change: c.629G>A on transcript NM_024753.5 (MANE Select); coding-DNA position 629, G replaced by A.
Protein change: p.Ser210Asn; replaces serine 210 with asparagine.
Molecular consequence: missense variant.
Genome position (GRCh38, 1-based): chr2:165,941,108, C>T on the plus strand (G>A on the coding strand, the complement: TTC21B is on the minus strand). VCF-style: chr2-165941108-C-T. GRCh37 (hg19) VCF-style: chr2-166797618-C-T.
Other names: short protein forms S210N.
Identifiers: ClinVar variation 1029925 (VCV001029925.1), dbSNP rs937191572, ClinGen allele CA59764448.

ClinVar aggregate classification (germline): Uncertain significance (1 of 4 stars; one submission).

Conditions:
Nephronophthisis 12 (NPHP12). Identifiers: Orphanet 655, MedGen C3151186, MONDO:0013442, OMIM 613820.

Allele frequency attached by ClinVar (database versions not stated): TOPMed below 0.00001.

Submission:

Baylor Genetics
Classification: Uncertain significance for Nephronophthisis 12. Last evaluated: 2019-05-01. Review status: criteria provided, single submitter. Criteria: ACMG Guidelines, 2015. Collection method: clinical testing. Allele origin: unknown. Affected: yes.
Comment: This variant was determined to be of uncertain significance according to ACMG Guidelines, 2015 [PMID:25741868].